The following is an entry in ClinVar:

NM_000388.4(CASR):c.2068C>T (p.Leu690Phe)

Gene: CASR (calcium sensing receptor; plus strand). Cytogenetic location: 3q21.1.
Variant type: single nucleotide variant.
Coding change: c.2068C>T on transcript NM_000388.4 (MANE Select); coding-DNA position 2068, C replaced by T.
Protein change: p.Leu690Phe; replaces leucine 690 with phenylalanine.
Molecular consequence: missense variant.
Genome position (GRCh38, 1-based): chr3:122,284,022, C>T. VCF-style: chr3-122284022-C-T. GRCh37 (hg19) VCF-style: chr3-122002869-C-T.
Other names: c.2098C>T, p.Leu700Phe (NM_001178065.2); short protein forms L690F, L700F.
Identifiers: ClinVar variation 1416357 (VCV001416357.6), dbSNP rs1467832380, ClinGen allele CA354158423.

ClinVar aggregate classification (germline): Uncertain significance (1 of 4 stars; one submission).

Conditions:
Autosomal dominant hypocalcemia 1 (HYPOC1). Also called: HYPOCALCEMIA, FAMILIAL. Identifiers: MedGen C3715128, MONDO:0011013, OMIM 601198.
Familial hypocalciuric hypercalcemia (FHH). Also called: Familial benign hypercalcemia. Identifiers: Orphanet 405, MedGen C1809471, MONDO:0018458.

Allele frequency attached by ClinVar (database versions not stated): gnomAD exomes below 0.00001.
gnomAD v4.1: 4 of 1,614,148 alleles (0.00025%); highest among the groups gnomAD compares: Non-Finnish European, 0.00034%; no homozygotes.

Submission:

Labcorp Genetics (formerly Invitae), Labcorp
Classification: Uncertain significance for Familial hypocalciuric hypercalcemia; Autosomal dominant hypocalcemia 1. Last evaluated: 2021-09-07. Review status: criteria provided, single submitter. Criteria: Invitae Variant Classification Sherloc (09022015). Collection method: clinical testing. Allele origin: germline.
Comment: This sequence change replaces leucine with phenylalanine at codon 690 of the CASR protein (p.Leu690Phe). The leucine residue is highly conserved and there is a small physicochemical difference between leucine and phenylalanine. This variant is not present in population databases (ExAC no frequency). This variant has not been reported in the literature in individuals affected with CASR-related conditions. Algorithms developed to predict the effect of missense changes on protein structure and function are either unavailable or do not agree on the potential impact of this missense change (SIFT: "Deleterious"; PolyPhen-2: "Possibly Damaging"; Align-GVGD: "Class C15"). In summary, the available evidence is currently insufficient to determine the role of this variant in disease. Therefore, it has been classified as a Variant of Uncertain Significance.